The following is an entry in ClinVar:

NM_003924.4(PHOX2B):c.870C>A (p.Pro290=)

Gene: PHOX2B (paired like homeobox 2B; minus strand). Cytogenetic location: 4p13.
Variant type: single nucleotide variant.
Coding change: c.870C>A on transcript NM_003924.4 (MANE Select); coding-DNA position 870, C replaced by A.
Protein change: p.Pro290=; no amino-acid change (proline 290 retained).
Molecular consequence: synonymous variant.
Genome position (GRCh38, 1-based): chr4:41,745,882, G>T on the plus strand (C>A on the coding strand, the complement: PHOX2B is on the minus strand). VCF-style: chr4-41745882-G-T. GRCh37 (hg19) VCF-style: chr4-41747899-G-T.
Other names: p.Pro290=.
Identifiers: ClinVar variation 164943 (VCV000164943.39), dbSNP rs17885864, ClinGen allele CA177625.

ClinVar aggregate classification (germline): Benign. Review status: criteria provided, multiple submitters, no conflicts (2 of 4 stars). 14 submissions from 12 submitters: Benign (14). Last evaluated 2026-01-26.

Conditions:
Central hypoventilation syndrome, congenital, 1, with or without Hirschsprung disease (CCHS1). Also called: Central hypoventilation syndrome, congenital, 1, with or without Hirschsprung; AUTONOMIC CONTROL, CONGENITAL FAILURE OF; ONDINE CURSE, CONGENITAL; CENTRAL HYPOVENTILATION SYNDROME, CONGENITAL, 1; Congenital Central Hypoventilation Syndrome (CCHS). Identifiers: Orphanet 661, MedGen C5562075, MONDO:0800026, OMIM 209880.
Hereditary cancer-predisposing syndrome. Also called: Neoplastic Syndromes, Hereditary; Hereditary Cancer Syndrome; Tumor predisposition; Hereditary neoplastic syndrome. Identifiers: Orphanet 140162, MedGen C0027672, MeSH D009386, MONDO:0015356.
Haddad syndrome (OHD). Also called: Ondine-Hirschsprung disease. Identifiers: Orphanet 99803, MedGen C1859049, MONDO:0020493.
Congenital central hypoventilation. Also called: Congenital Central Hypoventilation Syndrome. Identifiers: Orphanet 661, Orphanet 99803, MedGen C1275808, MONDO:0800031. Disease mechanism: gain of function.
Neuroblastoma, susceptibility to, 2. Identifiers: Orphanet 635, MedGen C2751682, MONDO:0700041, OMIM 613013.

Allele frequency attached by ClinVar (database versions not stated): 1000 Genomes Project 30x 0.02530; TOPMed 0.03126; gnomAD 0.03152 and 0.03243; 1000 Genomes Project 0.02576; ESP Exome Variant Server 0.03152.
gnomAD v4.1: 38,707 of 1,608,784 alleles (2.4%); highest among the groups gnomAD compares: African/African-American, 5.6%; 643 homozygotes.

Submissions (14):

Labcorp Genetics (formerly Invitae), Labcorp
Classification: Benign for Haddad syndrome. Last evaluated: 2026-01-26. Review status: criteria provided, single submitter. Criteria: Invitae Variant Classification Sherloc (09022015). Collection method: clinical testing. Allele origin: germline.

KCCC/NGS Laboratory, Kuwait Cancer Control Center
Classification: Benign for Central hypoventilation syndrome, congenital, 1, with or without Hirschsprung disease. Last evaluated: 2025-02-01. Review status: criteria provided, single submitter. Criteria: ACMG Guidelines, 2015. Collection method: clinical testing. Allele origin: germline. Affected: no.

ARUP Laboratories, Molecular Genetics and Genomics, ARUP Laboratories
Classification: Benign. Last evaluated: 2023-11-01. Review status: criteria provided, single submitter. Criteria: ARUP Molecular Germline Variant Investigation Process 2024. Collection method: clinical testing. Allele origin: germline.

KCCC/NGS Laboratory, Kuwait Cancer Control Center
Classification: Benign for Neuroblastoma, susceptibility to, 2. Last evaluated: 2023-07-07. Review status: criteria provided, single submitter. Criteria: ACMG Guidelines, 2015. Collection method: clinical testing. Allele origin: germline. Affected: yes.

Mayo Clinic Laboratories, Mayo Clinic
Classification: Benign. Last evaluated: 2021-04-25. Review status: criteria provided, single submitter. Criteria: ACMG Guidelines, 2015. Collection method: clinical testing. Allele origin: germline. Observed: 18 variant alleles.

Illumina Laboratory Services, Illumina
Classification: Benign for Neuroblastoma, susceptibility to, 2. Last evaluated: 2017-04-27. Review status: criteria provided, single submitter. Criteria: ICSL Variant Classification Criteria 13 December 2019. Collection method: clinical testing. Allele origin: germline.
Comment: This variant was observed as part of a predisposition screen in an ostensibly healthy population. A literature search was performed for the gene, cDNA change, and amino acid change (where applicable). Publications were found based on this search. The evidence from the literature, in combination with allele frequency data from public databases where available, was sufficient to rule this variant out of causing disease. Therefore, this variant is classified as benign.

Illumina Laboratory Services, Illumina
Classification: Benign for Central hypoventilation syndrome, congenital, 1, with or without Hirschsprung disease. Last evaluated: 2017-04-27. Review status: criteria provided, single submitter. Criteria: ICSL Variant Classification Criteria 13 December 2019. Collection method: clinical testing. Allele origin: germline.
Comment: This variant was observed as part of a predisposition screen in an ostensibly healthy population. A literature search was performed for the gene, cDNA change, and amino acid change (where applicable). No publications were found based on this search. Allele frequency data from public databases was too high to be consistent with this variant causing disease. Therefore, this variant is classified as benign.

Eurofins Ntd Llc (ga)
Classification: Benign. Last evaluated: 2017-02-02. Review status: criteria provided, single submitter. Criteria: EGL Classification Definitions 2015. Collection method: clinical testing. Allele origin: germline. Observed: 1 variant allele, 1 heterozygote.

Ambry Genetics
Classification: Benign for Hereditary cancer-predisposing syndrome. Last evaluated: 2016-11-23. Review status: criteria provided, single submitter. Criteria: Ambry Variant Classification Scheme 2023. Collection method: clinical testing. Allele origin: germline.

GeneDx
Classification: Benign. Last evaluated: 2016-07-25. Review status: criteria provided, single submitter. Criteria: GeneDx Variant Classification (06012015). Collection method: clinical testing. Allele origin: germline. Affected: yes.
Comment: This variant is considered likely benign or benign based on one or more of the following criteria: it is a conservative change, it occurs at a poorly conserved position in the protein, it is predicted to be benign by multiple in silico algorithms, and/or has population frequency not consistent with disease.

Women's Health and Genetics/Laboratory Corporation of America, LabCorp
Classification: Benign. Last evaluated: 2016-05-17. Review status: criteria provided, single submitter. Criteria: LabCorp Variant Classification Summary - May 2015. Collection method: clinical testing. Allele origin: germline.
Comment: Variant summary: The PHOX2B c.870C>A (p.Pro290Pro) variant causes a synonymous change involving a non-conserved nucleotide with 5/5 splice prediction tools calculating no significant effect on splicing, although these predictions have yet to be functionally assessed. The variant of interest was observed in the large, broad control population, ExAC, with an allele frequency of 2837/114102 (52 homozygotes, 1/40, frequency: 0.0248637), which significantly exceeds the estimated maximal expected allele frequency for a pathogenic PHOX2B variant of 1/1250000 (frequenc: 0.0000008), suggesting this variant is likely a benign polymorphism. In addition, a reputable clinical laboratory cites the variant as "benign." Therefore, taking all available lines of evidence into consideration, the variant of interest is classified as Benign.

Laboratory for Molecular Medicine, Mass General Brigham Personalized Medicine
Classification: Benign. Last evaluated: 2014-10-02. Review status: criteria provided, single submitter. Criteria: LMM Criteria. Collection method: clinical testing. Allele origin: germline. Observed: 5 variant alleles.
Comment: p.Pro290Pro in exon 3 of PHOX2B: This variant is not expected to have clinical s ignificance because it does not alter an amino acid residue and has been identi fied in 5.6% (246/4406) of African American chromosomes by the NHLBI Exome Seque ncing Project (dbSNP rs17885864).

Breakthrough Genomics
Classification: Benign. Review status: criteria provided, single submitter. Criteria: ACMG Guidelines, 2015. Collection method: not provided. Allele origin: germline. Inheritance: Autosomal dominant inheritance. Affected: yes.

PreventionGenetics, part of Exact Sciences
Classification: Benign. Review status: criteria provided, single submitter. Criteria: ACMG Guidelines, 2015. Collection method: clinical testing. Allele origin: germline.

Literature cited by the submitters: PubMed 19011468 (cited by Illumina Laboratory Services, Illumina).